The following is an entry in ClinVar:

ClinVar aggregate classification (germline): Uncertain significance. Review status: criteria provided, multiple submitters, no conflicts (2 of 4 stars). 2 submissions from 2 submitters: Uncertain significance (2). Last evaluated 2024-08-20.

Submissions (2):

Labcorp Genetics (formerly Invitae), Labcorp
Classification: Uncertain significance. Last evaluated: 2024-08-20. Review status: criteria provided, single submitter. Criteria: Invitae Variant Classification Sherloc (09022015). Collection method: clinical testing. Allele origin: germline.
Comment: This sequence change replaces proline, which is neutral and non-polar, with leucine, which is neutral and non-polar, at codon 207 of the RP1 protein (p.Pro207Leu). This variant is present in population databases (rs772717240, gnomAD 0.02%). This variant has not been reported in the literature in individuals affected with RP1-related conditions. An algorithm developed to predict the effect of missense changes on protein structure and function (PolyPhen-2) suggests that this variant is likely to be tolerated. In summary, the available evidence is currently insufficient to determine the role of this variant in disease. Therefore, it has been classified as a Variant of Uncertain Significance.

Blueprint Genetics
Classification: Uncertain significance. Last evaluated: 2021-02-15. Review status: criteria provided, single submitter. Criteria: ACMG Guidelines, 2015. Collection method: clinical testing. Allele origin: germline.

NM_006269.2(RP1):c.620C>T (p.Pro207Leu)

Gene: RP1 (RP1 axonemal microtubule associated; plus strand). Cytogenetic location: 8q12.1.
Variant type: single nucleotide variant.
Coding change: c.620C>T on transcript NM_006269.2 (MANE Select); coding-DNA position 620, C replaced by T.
Protein change: p.Pro207Leu; replaces proline 207 with leucine.
Molecular consequence: missense variant.
Genome position (GRCh38, 1-based): chr8:54,622,121, C>T. VCF-style: chr8-54622121-C-T. GRCh37 (hg19) VCF-style: chr8-55534681-C-T.
Other names: c.620C>T, p.Pro207Leu (NM_001375654.1); short protein forms P207L.
Identifiers: ClinVar variation 3619111 (VCV003619111.3).